The following is an entry in ClinVar:

ClinVar aggregate classification (germline): Pathogenic. Review status: criteria provided, multiple submitters, no conflicts (2 of 4 stars). 14 submissions from 13 submitters: Pathogenic (13). 1 of the submissions does not count toward it. Last evaluated 2026-07-01.

Conditions:
Autosomal dominant MPZ-related disorders.
MPZ-related disorder. Also called: MPZ-related condition; MPZ-related disorders.
Neuropathy, congenital hypomyelinating, 2. Identifiers: MedGen C4722277, MONDO:0020765, OMIM 618184.
Charcot-Marie-Tooth disease, type I (CMT1). Also called: Charcot-Marie-Tooth disease type 1; Charcot-Marie-Tooth, Type 1. Identifiers: Orphanet 65753, MedGen C0751036, MONDO:0019011.
Charcot-Marie-Tooth disease type 1B. Also called: Charcot-Marie-Tooth disease, demyelinating, type 1b; Hereditary motor and sensory neuropathy 1B; Charcot-Marie-Tooth disease, type IB; CHARCOT-MARIE-TOOTH DISEASE, AUTOSOMAL DOMINANT, WITH FOCALLY FOLDED MYELIN SHEATHS, TYPE 1B; CHARCOT-MARIE-TOOTH DISEASE, SLOW NERVE CONDUCTION TYPE, LINKED TO DUFFY; CHARCOT-MARIE-TOOTH NEUROPATHY, TYPE 1B. Identifiers: Orphanet 101082, MedGen C0270912, MONDO:0007307, OMIM 118200.

Allele frequency attached by ClinVar (database versions not stated): gnomAD 0.00001.
gnomAD v4.1: 3 of 1,613,782 alleles (0.00019%); highest among the groups gnomAD compares: African/African-American, 0.0013%; no homozygotes.

Submissions (14):

CeGaT Center for Human Genetics Tuebingen
Classification: Pathogenic. Last evaluated: 2026-07-01. Review status: criteria provided, single submitter. Criteria: CeGaT Center For Human Genetics Tuebingen Variant Classification Criteria Version 2. Collection method: clinical testing. Allele origin: germline. Affected: yes. Observed: 2 variant alleles.
Comment: MPZ: PS4, PM1, PM2, PM5, PS2:Moderate, PP2, PS3:Supporting

Institute of Human Genetics, University of Leipzig Medical Center
Classification: Pathogenic for Charcot-Marie-Tooth disease type 1B. Last evaluated: 2026-06-24. Review status: criteria provided, single submitter. Criteria: ACMG Guidelines, 2015. Collection method: clinical testing. Allele origin: maternal. Affected: yes.
Comment: Criteria applied: PS2,PS3,PS4,PM5_STR,PP3

Department of Molecular Genetics, Istishari Arab Hospital
Classification: Pathogenic for Charcot-Marie-Tooth disease type 1B. Last evaluated: 2025-12-01. Review status: criteria provided, single submitter. Criteria: ACMG Guidelines, 2015. Collection method: clinical testing. Allele origin: germline. Inheritance: Autosomal dominant inheritance. Affected: yes.
Comment: The MPZ variant c.292C>T, p.Arg98Cys creates an amino acid change from Arg to Cys at position 98. This variant was observed at an extremely low frequency in the gnomAD (v.4.1.0) database. This variant was previously reported in patients with hereditary neuropathies and Charcot-Marie-Tooth disease (PMID: 23250879, 22689911, 21840889, 20461396, 19293842, and many others). ClinVar lists this variant with interpretation (Pathogenic,). Different missense variants at the same codon (p.Arg98His, p.Arg98Leu, p.Arg98Pro, p.Arg98Ser) have been previously reported as pathogenic/likely pathogenic with strong evidence, It is classified as pathogenic (class 1) according to the recommendations of ACMG/AMP/ClinGen SVI guidelines.

3billion
Classification: Pathogenic for MPZ-related disorder. Last evaluated: 2025-11-18. Review status: criteria provided, single submitter. Criteria: ACMG Guidelines, 2015. Collection method: clinical testing. Allele origin: germline. Affected: yes.
Comment: The variant is observed at an extremely low frequency in the gnomAD v4.1.0 dataset (total allele frequency: <0.001%). Predicted Consequence/Location: Missense variant In silico tool predictions suggest damaging effect of the variant on gene or gene product [REVEL: 0.77 (>=0.6, sensitivity 0.68 and specificity 0.92); 3Cnet: 0.99 (> 0.75, sensitivity 0.96 and precision 0.92)]. The same nucleotide change resulting in the same amino acid change has been previously reported as pathogenic/likely pathogenic with strong evidence (ClinVar ID: VCV000014175 /PMID: 8644725 /3billion dataset). The variant has been observed in multiple (>3) similarly affected unrelated individuals (PMID: 17172621, 22689911, 31827005, 33825325). Different missense changes at the same codon (p.Arg98His, p.Arg98Leu, p.Arg98Pro, p.Arg98Ser) have been reported as pathogenic/likely pathogenic with strong evidence (ClinVar ID: VCV000014174, VCV000014176, VCV000586152 /PMID: 27164712, 8644725, 8816708 /3billion dataset). Therefore, this variant is classified as Pathogenic according to the recommendation of ACMG/AMP guideline.

Variantyx, Inc.
Classification: Pathogenic for Charcot-Marie-Tooth disease type 1B. Last evaluated: 2025-04-16. Review status: criteria provided, single submitter. Criteria: Variantyx Assertion Criteria 2022. Collection method: clinical testing. Allele origin: germline. Inheritance: Autosomal dominant inheritance. Affected: yes.
Comment: This is a nonsynonymous variant in the MPZ gene (OMIM: 159440). Pathogenic variants in this gene have been associated with autosomal dominant Charcot-Marie-Tooth disease type 1B (CMT1B). This variant likely occurred de novo in individuals reported in the published literature; however, the possibility of parental germline mosaicism cannot be excluded (PMID: 8644725) (PS2_Moderate). Functional studies have shown that this variant alters MPZ protein function (PMID: 20461396, 22689911, 29687021), and multiple computational algorithms predict a deleterious effect for this variant (REVEL score: 0.772) (PP3) (PS3). This variant lies within a known hotspot for pathogenic variants or a well-established critical functional domain of the MPZ protein (PM1) and it has a 0.0018% maximum allele frequency in non-founder control populations (PM2). Based on the current evidence, this variant is classified as pathogenic for autosomal dominant Charcot-Marie-Tooth disease type 1B (CMT1B).

Variantyx, Inc.
Classification: Pathogenic for Autosomal dominant MPZ-related disorders. Last evaluated: 2025-03-18. Review status: criteria provided, single submitter. Criteria: Variantyx Assertion Criteria 2022. Collection method: clinical testing. Allele origin: germline. Affected: yes.
Comment: This is a nonsynonymous variant in the MPZ gene (OMIM: 159440). Pathogenic variants in this gene have been associated with autosomal dominant MPZ-related disorders. This variant likely occurred de novo in the individual(s) from the published literature; however, the possibility of parental germline mosaicism cannot be excluded (PMID: 8644725) (PS2_Moderate). Functional studies have shown that this variant alters MPZ protein function (PMID: 20461396, 22689911, 29687021) (PS3). This variant lies within a known hotspot for pathogenic variants or a well-established critical functional domain of the MPZ protein (PM1). Multiple computational algorithms predict a deleterious effect for this variant (REVEL score: 0.772) (PP3). This variant has a 0.0018% maximum allele frequency in non-founder control populations (PM2_Supporting). Based on the current evidence, this variant is classified as pathogenic for autosomal dominant MPZ-related disorders.

Center of Human Genetics, Hôpital Erasme
Classification: Pathogenic for Neuropathy, congenital hypomyelinating, 2. Last evaluated: 2025-01-01. Review status: criteria provided, single submitter. Criteria: ACMG Guidelines, 2015. Collection method: clinical testing. Allele origin: de novo. Affected: yes.

Labcorp Genetics (formerly Invitae), Labcorp
Classification: Pathogenic for Charcot-Marie-Tooth disease, type I. Last evaluated: 2024-09-14. Review status: criteria provided, single submitter. Criteria: Invitae Variant Classification Sherloc (09022015). Collection method: clinical testing. Allele origin: germline.
Comment: This sequence change replaces arginine, which is basic and polar, with cysteine, which is neutral and slightly polar, at codon 98 of the MPZ protein (p.Arg98Cys). This variant is not present in population databases (gnomAD no frequency). This missense change has been observed in individual(s) with Charcot-Marie-Tooth disease and Dejerine-Sottas syndrome (PMID: 8644725, 8797476, 9168174, 20461396, 21840889). In at least one individual the variant was observed to be de novo. ClinVar contains an entry for this variant (Variation ID: 14175). Invitae Evidence Modeling of protein sequence and biophysical properties (such as structural, functional, and spatial information, amino acid conservation, physicochemical variation, residue mobility, and thermodynamic stability) indicates that this missense variant is expected to disrupt MPZ protein function with a positive predictive value of 80%. Experimental studies have shown that this missense change affects MPZ function (PMID: 20461396, 22689911). For these reasons, this variant has been classified as Pathogenic.

GeneDx
Classification: Pathogenic. Last evaluated: 2022-06-06. Review status: criteria provided, single submitter. Criteria: GeneDx Variant Classification Process June 2021. Collection method: clinical testing. Allele origin: germline. Affected: yes.
Comment: Published functional studies demonstrate a damaging effect; R98C results in reduced transport of the MPZ protein to the plasma membrane (Lee et al., 2010; Saporta et al., 2012).; Not observed at significant frequency in large population cohorts (gnomAD); Missense variants in this gene are often considered pathogenic (HGMD); This variant is associated with the following publications: (PMID: 12477701, 23250879, 9168174, 9187667, 20461396, 19293842, 8816708, 8797476, 17172621, 10093067, 8644725, 21840889, 28704293, 29687021, 15050444, 10207934, 31211173, 31827005, 33825325, 26310628, 24077912, 22689911)

Laboratorio de Genetica e Diagnostico Molecular, Hospital Israelita Albert Einstein
Classification: Pathogenic for Charcot-Marie-Tooth disease type 1B. Last evaluated: 2022-06-05. Review status: criteria provided, single submitter. Criteria: ACMG Guidelines, 2015. Collection method: clinical testing. Allele origin: germline. Affected: yes. Observed: 1 variant allele.
Comment: ACMG classification criteria: PS3 supporting, PS4 strong, PM2 moderated, PM5 moderated, PM6 strong, PP3 supporting

Baylor Genetics
Classification: Pathogenic for Charcot-Marie-Tooth disease type 1B. Last evaluated: 2020-05-21. Review status: criteria provided, single submitter. Criteria: ACMG Guidelines, 2015. Collection method: clinical testing. Allele origin: unknown. Affected: yes.
Comment: This variant was determined to be pathogenic according to ACMG Guidelines, 2015 [PMID:25741868].

Blueprint Genetics
Classification: Pathogenic for MPZ-related disorders. Last evaluated: 2017-05-22. Review status: criteria provided, single submitter. Criteria: ACMG Guidelines, 2015. Collection method: clinical testing. Allele origin: germline. Affected: yes. Observed: 1 variant allele.

Athena Diagnostics
Classification: Pathogenic for Charcot-Marie-Tooth disease, type IB. Last evaluated: 2013-11-06. Review status: criteria provided, single submitter. Criteria: Athena Diagnostics Criteria. Collection method: clinical testing. Allele origin: germline. Inheritance: Autosomal dominant inheritance.

OMIM
Classification: Pathogenic for CHARCOT-MARIE-TOOTH DISEASE, TYPE 1B. Last evaluated: 1996-03-01. Review status: no assertion criteria provided. Collection method: literature only. Allele origin: germline. Not counted in ClinVar's aggregate classification.

Literature cited by the submitters: PubMed 23250879 (cited by Department of Molecular Genetics, Istishari Arab Hospital and Athena Diagnostics); PubMed 22689911 (cited by 5 submitters); PubMed 21840889 (cited by 3 submitters); PubMed 20461396 (cited by 4 submitters); PubMed 19293842 (cited by Department of Molecular Genetics, Istishari Arab Hospital and Athena Diagnostics); PubMed 27164712 (cited by 3billion); PubMed 17172621 (cited by 3billion and Athena Diagnostics); PubMed 8644725 (cited by 5 submitters); PubMed 31827005 (cited by 3billion); PubMed 33825325 (cited by 3billion); PubMed 29687021 (cited by Variantyx, Inc.); PubMed 8797476 (cited by Labcorp Genetics (formerly Invitae), Labcorp and Athena Diagnostics); PubMed 9168174 (cited by Labcorp Genetics (formerly Invitae), Labcorp and Athena Diagnostics); PubMed 8816708 (cited by Athena Diagnostics); PubMed 9187667 (cited by Athena Diagnostics); PubMed 11438991 (cited by Athena Diagnostics); PubMed 12477701 (cited by Athena Diagnostics); PubMed 10093067 (cited by Athena Diagnostics); PubMed 7688964 (cited by OMIM).

NM_000530.8(MPZ):c.292C>T (p.Arg98Cys)

Gene: MPZ (myelin protein zero; minus strand). Cytogenetic location: 1q23.3.
Variant type: single nucleotide variant.
Coding change: c.292C>T on transcript NM_000530.8 (MANE Select); coding-DNA position 292, C replaced by T.
Protein change: p.Arg98Cys; replaces arginine 98 with cysteine.
Molecular consequence: missense variant.
Genome position (GRCh38, 1-based): chr1:161,306,864, G>A on the plus strand (C>T on the coding strand, the complement: MPZ is on the minus strand). VCF-style: chr1-161306864-G-A. GRCh37 (hg19) VCF-style: chr1-161276654-G-A.
Other names: c.292C>T, p.Arg98Cys (LRG_256t1, NM_001315491.2); short protein forms R98C.
Identifiers: ClinVar variation 14175 (VCV000014175.45), dbSNP rs121913590, ClinGen allele CA257152.
Genomic context (GRCh38, chr1:161,306,864, plus strand): 5'-CTAGGTTGTGTATGACAATGGAGCCATCCTTCCAGCGAGGGTCCCCTACCCACTGGATGC[G>A]CTCTTTGAAGGTCCCCACCTCGTCAATGTAGGGTTGTCCCTTGGCATAGTGGAAGATCTA-3'
Protein context (NP_000521.2, residues 88-108): YIDEVGTFKE[Arg98Cys]IQWVGDPRWK